The following is an entry in ClinVar:

NM_145693.2(LPIN1):c.-32819A>T

Gene: LPIN1 (lipin 1; plus strand). Cytogenetic location: 2p25.1.
Variant type: single nucleotide variant.
Coding change: c.-32819A>T on transcript NM_145693.2; 32819 bases upstream of the start codon, A replaced by T.
Molecular consequence: intron variant (on NM_001261428.3).
Genome position (GRCh38, 1-based): chr2:11,713,862, A>T. VCF-style: chr2-11713862-A-T. GRCh37 (hg19) VCF-style: chr2-11853988-A-T.
Other names: c.138+50A>T (NM_001261428.3, NM_001349208.2); c.81+36134A>T (NM_001349207.2).
Identifiers: ClinVar variation 683084 (VCV000683084.4), dbSNP rs12465630, ClinGen allele CA1533300.

ClinVar aggregate classification (germline): Benign. Review status: criteria provided, multiple submitters, no conflicts (2 of 4 stars). 2 submissions from 2 submitters: Benign (2). Last evaluated 2018-06-16.

Allele frequency attached by ClinVar (database versions not stated): TOPMed 0.38015; 1000 Genomes Project 0.39337; gnomAD 0.39535 and 0.38617; gnomAD exomes 0.49439 and 0.52281; 1000 Genomes Project 30x 0.39022; ExAC 0.54105.
gnomAD v4.1: 655,134 of 1,292,316 alleles (51%); highest among the groups gnomAD compares: South Asian, 57%; 170,807 homozygotes.

Submissions (2):

GeneDx
Classification: Benign. Last evaluated: 2018-06-16. Review status: criteria provided, single submitter. Criteria: GeneDx Variant Classification (06012015). Collection method: clinical testing. Allele origin: germline. Affected: yes.
Comment: This variant is considered likely benign or benign based on one or more of the following criteria: it is a conservative change, it occurs at a poorly conserved position in the protein, it is predicted to be benign by multiple in silico algorithms, and/or has population frequency not consistent with disease.

Breakthrough Genomics
Classification: Benign. Review status: criteria provided, single submitter. Criteria: ACMG Guidelines, 2015. Collection method: not provided. Allele origin: germline. Inheritance: Autosomal recessive inheritance. Affected: yes.